The following is an entry in ClinVar:

ClinVar aggregate classification (germline): Pathogenic/Likely pathogenic. Review status: criteria provided, multiple submitters, no conflicts (2 of 4 stars). 4 submissions from 4 submitters: Pathogenic (2); Likely pathogenic (1). 1 of the submissions does not count toward it. Last evaluated 2023-11-28.

Conditions:
Developmental and epileptic encephalopathy, 44 (DEE44). Also called: Epileptic encephalopathy, early infantile, 44. Identifiers: MedGen C4310700, MONDO:0014933, OMIM 617132.
UBA5-related disorder. Also called: UBA5-related disorders; UBA5-related condition.

Allele frequency attached by ClinVar (database versions not stated): gnomAD 0.00001.

Submissions (4):

GeneDx
Classification: Pathogenic. Last evaluated: 2023-11-28. Review status: criteria provided, single submitter. Criteria: GeneDx Variant Classification Process June 2021. Collection method: clinical testing. Allele origin: germline. Affected: yes.
Comment: Nonsense variant predicted to result in protein truncation or nonsense mediated decay in a gene for which loss of function is a known mechanism of disease; Not observed at significant frequency in large population cohorts (gnomAD); This variant is associated with the following publications: (PMID: 27545674, 35571021)

Blueprint Genetics
Classification: Likely pathogenic for UBA5-related disorders. Last evaluated: 2022-07-01. Review status: criteria provided, single submitter. Criteria: ACMG Guidelines, 2015. Collection method: clinical testing. Allele origin: germline. Affected: yes. Observed: 1 variant allele.

Labcorp Genetics (formerly Invitae), Labcorp
Classification: Pathogenic. Last evaluated: 2022-03-20. Review status: criteria provided, single submitter. Criteria: Invitae Variant Classification Sherloc (09022015). Collection method: clinical testing. Allele origin: germline.
Comment: For these reasons, this variant has been classified as Pathogenic. ClinVar contains an entry for this variant (Variation ID: 265748). This sequence change creates a premature translational stop signal (p.Arg61*) in the UBA5 gene. It is expected to result in an absent or disrupted protein product. Loss-of-function variants in UBA5 are known to be pathogenic (PMID: 27545674, 27545681). This variant is not present in population databases (gnomAD no frequency). This premature translational stop signal has been observed in individual(s) with UBA5-related conditions (PMID: 27545674).

OMIM
Classification: Pathogenic for DEVELOPMENTAL AND EPILEPTIC ENCEPHALOPATHY 44. Last evaluated: 2020-11-10. Review status: no assertion criteria provided. Collection method: literature only. Allele origin: germline. Not counted in ClinVar's aggregate classification.

Literature cited by the submitters: PubMed 27545674 (cited by Labcorp Genetics (formerly Invitae), Labcorp and OMIM); PubMed 27545681 (cited by Labcorp Genetics (formerly Invitae), Labcorp).

NM_024818.6(UBA5):c.181C>T (p.Arg61Ter)

Genes: NPHP3-ACAD11 (NPHP3-ACAD11 readthrough (NMD candidate); minus strand), UBA5 (ubiquitin like modifier activating enzyme 5; plus strand). Cytogenetic location: 3q22.1.
Variant type: single nucleotide variant.
Coding change: c.181C>T on transcript NM_024818.6 (MANE Select); coding-DNA position 181, C replaced by T.
Protein change: p.Arg61Ter; replaces arginine 61 with a stop codon.
Molecular consequence: nonsense. On other transcripts: intron variant (2).
Genome position (GRCh38, 1-based): chr3:132,665,842, C>T. VCF-style: chr3-132665842-C-T. GRCh37 (hg19) VCF-style: chr3-132384686-C-T.
Other names: c.13C>T, p.Arg5Ter (NM_001320210.2, NM_198329.4); c.-39-2976C>T (NM_001321239.1); c.28-2976C>T (NM_001321238.2); short protein forms R61*, R5*.
Identifiers: ClinVar variation 265748 (VCV000265748.10), dbSNP rs886039756, ClinGen allele CA10588805.